The following is an entry in ClinVar:

NM_001844.5(COL2A1):c.542C>T (p.Ala181Val)

Gene: COL2A1 (collagen type II alpha 1 chain; minus strand). Cytogenetic location: 12q13.11.
Variant type: single nucleotide variant.
Coding change: c.542C>T on transcript NM_001844.5 (MANE Select); coding-DNA position 542, C replaced by T.
Protein change: p.Ala181Val; replaces alanine 181 with valine.
Molecular consequence: missense variant.
Genome position (GRCh38, 1-based): chr12:47,996,615, G>A on the plus strand (C>T on the coding strand, the complement: COL2A1 is on the minus strand). VCF-style: chr12-47996615-G-A. GRCh37 (hg19) VCF-style: chr12-48390398-G-A.
Other names: c.335C>T, p.Ala112Val (NM_033150.3); short protein forms A181V, A112V.
Identifiers: ClinVar variation 1346036 (VCV001346036.8), dbSNP rs2136622365, ClinGen allele CA384524269.

ClinVar aggregate classification (germline): Likely pathogenic (1 of 4 stars; one submission).

Submission:

Labcorp Genetics (formerly Invitae), Labcorp
Classification: Likely pathogenic. Last evaluated: 2021-04-20. Review status: criteria provided, single submitter. Criteria: Invitae Variant Classification Sherloc (09022015). Collection method: clinical testing. Allele origin: germline.
Comment: This variant has been observed in individual(s) with clinical features of COL2A1-related conditions (Invitae). In at least one individual the variant was observed to be de novo. In summary, the currently available evidence indicates that the variant is pathogenic, but additional data are needed to prove that conclusively. Therefore, this variant has been classified as Likely Pathogenic. Advanced modeling of protein sequence and biophysical properties (such as structural, functional, and spatial information, amino acid conservation, physicochemical variation, residue mobility, and thermodynamic stability) performed at Invitae indicates that this missense variant is not expected to disrupt COL2A1 protein function. This variant is not present in population databases (ExAC no frequency). This sequence change replaces alanine with valine at codon 181 of the COL2A1 protein (p.Ala181Val). The alanine residue is highly conserved and there is a small physicochemical difference between alanine and valine.